The following is an entry in ClinVar:

NM_004747.4(DLG5):c.1369G>A (p.Glu457Lys)

Gene: DLG5 (discs large MAGUK scaffold protein 5; minus strand). Cytogenetic location: 10q22.3.
Variant type: single nucleotide variant.
Coding change: c.1369G>A on transcript NM_004747.4 (MANE Select); coding-DNA position 1369, G replaced by A.
Protein change: p.Glu457Lys; replaces glutamic acid 457 with lysine.
Molecular consequence: missense variant.
Genome position (GRCh38, 1-based): chr10:77,841,949, C>T on the plus strand (G>A on the coding strand, the complement: DLG5 is on the minus strand). VCF-style: chr10-77841949-C-T. GRCh37 (hg19) VCF-style: chr10-79601707-C-T.
Other names: short protein forms E457K.
Identifiers: ClinVar variation 5035358 (VCV005035358.1).

ClinVar aggregate classification (germline): Uncertain significance (1 of 4 stars; one submission).

gnomAD v4.1: 26 of 1,614,104 alleles (0.0016%); highest among the groups gnomAD compares: African/African-American, 0.02%; no homozygotes.

Submission:

Ambry Genetics
Classification: Uncertain significance. Last evaluated: 2026-06-17. Review status: criteria provided, single submitter. Criteria: Ambry Variant Classification Scheme 2023. Collection method: clinical testing. Allele origin: germline.
Comment: The c.1369G>A (p.E457K) alteration is located in exon 7 (coding exon 7) of the DLG5 gene. This alteration results from a G to A substitution at nucleotide position 1369, causing the glutamic acid (E) at amino acid position 457 to be replaced by a lysine (K). Based on data from gnomAD, the A allele has an overall frequency of 0.003% (9/282742) total alleles studied. The highest observed frequency was 0.014% (5/35438) of Latino alleles. Based on insufficient or conflicting evidence, the clinical significance of this alteration remains unclear.